The following is an entry in ClinVar:

NM_020928.2(ZSWIM6):c.1472A>G (p.Asn491Ser)

Gene: ZSWIM6 (zinc finger SWIM-type containing 6; plus strand). Cytogenetic location: 5q12.1.
Variant type: single nucleotide variant.
Coding change: c.1472A>G on transcript NM_020928.2 (MANE Select); coding-DNA position 1472, A replaced by G.
Protein change: p.Asn491Ser; replaces asparagine 491 with serine.
Molecular consequence: missense variant.
Genome position (GRCh38, 1-based): chr5:61,521,401, A>G. VCF-style: chr5-61521401-A-G. GRCh37 (hg19) VCF-style: chr5-60817228-A-G.
Other names: short protein forms N491S.
Identifiers: ClinVar variation 1049368 (VCV001049368.11), dbSNP rs201912422, ClinGen allele CA3278353.

ClinVar aggregate classification (germline): Benign/Likely benign. Review status: criteria provided, multiple submitters, no conflicts (2 of 4 stars). 4 submissions from 4 submitters: Benign (1); Likely benign (2). 1 of the submissions does not count toward it. Last evaluated 2026-01-15.

Conditions:
Acromelic frontonasal dysostosis (AFND). Identifiers: Orphanet 1827, MedGen C1863616, MONDO:0011359, OMIM 603671.
Neurodevelopmental disorder with movement abnormalities, abnormal gait, and autistic features. Identifiers: MedGen C4693405, MONDO:0060642, OMIM 617865.

Allele frequency attached by ClinVar (database versions not stated): 1000 Genomes Project 0.00020; ExAC 0.00032; gnomAD exomes 0.00034 and 0.00070; TOPMed 0.00039; gnomAD 0.00045 and 0.00048; 1000 Genomes Project 30x 0.00047.
gnomAD v4.1: 1,025 of 1,527,426 alleles (0.067%); highest among the groups gnomAD compares: Non-Finnish European, 0.082%; no homozygotes.

Submissions (4):

Labcorp Genetics (formerly Invitae), Labcorp
Classification: Benign. Last evaluated: 2026-01-15. Review status: criteria provided, single submitter. Criteria: Invitae Variant Classification Sherloc (09022015). Collection method: clinical testing. Allele origin: germline.

Blueprint Genetics
Classification: Likely benign. Last evaluated: 2024-10-09. Review status: criteria provided, single submitter. Criteria: ACMG Guidelines, 2015. Collection method: clinical testing. Allele origin: germline.

Fulgent Genetics
Classification: Likely benign for Acromelic frontonasal dysostosis; Neurodevelopmental disorder with movement abnormalities, abnormal gait, and autistic features. Last evaluated: 2021-12-22. Review status: criteria provided, single submitter. Criteria: ACMG Guidelines, 2015. Collection method: clinical testing. Allele origin: unknown.

Department of Pathology and Laboratory Medicine, Sinai Health System
Classification: Likely benign. Review status: no assertion criteria provided. Collection method: clinical testing. Allele origin: unknown. Affected: yes. Study: The Canadian Open Genetics Repository (COGR). Not counted in ClinVar's aggregate classification.
Comment: The ZSWIM6 p.Asn491Ser variant was not identified in the literature nor was it identified in ClinVar. The variant was identified in dbSNP (ID: rs201912422) and LOVD 3.0 (classified as likely benign). The variant was identified in control databases in 59 of 169126 chromosomes at a frequency of 0.0003489 (Genome Aggregation Database March 6, 2019, v2.1.1). The variant was observed in the following populations: European (non-Finnish) in 43 of 70102 chromosomes (freq: 0.000613), European (Finnish) in 12 of 20012 chromosomes (freq: 0.0006), Other in 2 of 4854 chromosomes (freq: 0.000412), African in 1 of 15066 chromosomes (freq: 0.000066) and Latino in 1 of 20784 chromosomes (freq: 0.000048), but was not observed in the Ashkenazi Jewish, East Asian, or South Asian populations. The p.Asn491 residue is conserved in mammals but not in more distantly related organisms however four out of five computational analyses (PolyPhen-2, SIFT, AlignGVGD, BLOSUM, MutationTaster) do not suggest a high likelihood of impact to the protein; this information is not predictive enough to rule out pathogenicity. The variant occurs outside of the splicing consensus sequence and in silico or computational prediction software programs (SpliceSiteFinder, MaxEntScan, NNSPLICE, GeneSplicer) do not predict a difference in splicing. In summary, based on the above information the clinical significance of this variant cannot be determined with certainty at this time although we would lean towards a more benign role for this variant. This variant is classified as likely benign.